The following is an entry in ClinVar:

NM_001270.4(CHD1):c.723C>G (p.Ser241Arg)

Gene: CHD1 (chromodomain helicase DNA binding protein 1; minus strand). Cytogenetic location: 5q21.1.
Variant type: single nucleotide variant.
Coding change: c.723C>G on transcript NM_001270.4 (MANE Select); coding-DNA position 723, C replaced by G.
Protein change: p.Ser241Arg; replaces serine 241 with arginine.
Molecular consequence: missense variant. On other transcripts: non-coding transcript variant (2).
Genome position (GRCh38, 1-based): chr5:98,900,947, G>C on the plus strand (C>G on the coding strand, the complement: CHD1 is on the minus strand). VCF-style: chr5-98900947-G-C. GRCh37 (hg19) VCF-style: chr5-98236651-G-C.
Other names: c.723C>G, p.Ser241Arg (NM_001364113.3, NM_001376194.2); short protein forms S241R.
Identifiers: ClinVar variation 3769890 (VCV003769890.2).

ClinVar aggregate classification (germline): Uncertain significance (1 of 4 stars; one submission).

Submission:

GeneDx
Classification: Uncertain significance. Last evaluated: 2026-09-24. Review status: criteria provided, single submitter. Criteria: GeneDx Variant Classification Process June 2021. Collection method: clinical testing. Allele origin: germline.
Comment: Not observed at significant frequency in large population cohorts (gnomAD); In silico analysis supports that this missense variant has a deleterious effect on protein structure/function; Has not been previously published as pathogenic or benign to our knowledge